The following is an entry in ClinVar:

NM_144687.4(NLRP12):c.533A>G (p.Asp178Gly)

Gene: NLRP12 (NLR family pyrin domain containing 12; minus strand). Cytogenetic location: 19q13.42.
Variant type: single nucleotide variant.
Coding change: c.533A>G on transcript NM_144687.4 (MANE Select); coding-DNA position 533, A replaced by G.
Protein change: p.Asp178Gly; replaces aspartic acid 178 with glycine.
Molecular consequence: missense variant.
Genome position (GRCh38, 1-based): chr19:53,811,126, T>C on the plus strand (A>G on the coding strand, the complement: NLRP12 is on the minus strand). VCF-style: chr19-53811126-T-C. GRCh37 (hg19) VCF-style: chr19-54314380-T-C.
Other names: c.533A>G, p.Asp178Gly (NM_001277126.2, NM_001277129.1); short protein forms D178G.
Identifiers: ClinVar variation 4767298 (VCV004767298.1).
Genomic context (GRCh38, chr19:53,811,126, plus strand): 5'-GTCTCTATCTTGATGGGGCTAGCCTGGTGTCCCACGGTCCTCGCGTGTCCCCGGCCTGTG[T>C]CCAGAAGCTGCTGCTGGACCTGCATGGGGTTTGAGTGCTCCTTCACCAGCAGGAGCCGGG-3'
Protein context (NP_653288.1, residues 168-188): NPMQVQQQLL[Asp178Gly]TGRGHARTVG

ClinVar aggregate classification (germline): Uncertain significance (1 of 4 stars; one submission).

Conditions:
Familial cold autoinflammatory syndrome 2 (FCAS2). Identifiers: Orphanet 247868, MedGen C2673198, MONDO:0012724, OMIM 611762.

Submission:

Labcorp Genetics (formerly Invitae), Labcorp
Classification: Uncertain significance for Familial cold autoinflammatory syndrome 2. Last evaluated: 2025-06-11. Review status: criteria provided, single submitter. Criteria: Invitae Variant Classification Sherloc (09022015). Collection method: clinical testing. Allele origin: germline.
Comment: This sequence change replaces aspartic acid, which is acidic and polar, with glycine, which is neutral and non-polar, at codon 178 of the NLRP12 protein (p.Asp178Gly). This variant is not present in population databases (gnomAD no frequency). This variant has not been reported in the literature in individuals affected with NLRP12-related conditions. An algorithm developed to predict the effect of missense changes on protein structure and function (PolyPhen-2) suggests that this variant is likely to be tolerated. In summary, the available evidence is currently insufficient to determine the role of this variant in disease. Therefore, it has been classified as a Variant of Uncertain Significance.